The following is an entry in ClinVar:

NM_000321.3(RB1):c.1498+5G>A

Gene: RB1 (RB transcriptional corepressor 1; plus strand). Cytogenetic location: 13q14.2.
Variant type: single nucleotide variant.
Coding change: c.1498+5G>A on transcript NM_000321.3 (MANE Select); 5 bases into the intron after coding-DNA position 1498, G replaced by A.
Molecular consequence: intron variant.
Genome position (GRCh38, 1-based): chr13:48,380,246, G>A. VCF-style: chr13-48380246-G-A. GRCh37 (hg19) VCF-style: chr13-48954382-G-A.
Identifiers: ClinVar variation 572265 (VCV000572265.8), dbSNP rs1566199125, ClinGen allele CA891844537.
Genomic context (GRCh38, chr13:48,380,246, plus strand): 5'-TTTTCATATGTCTTTATTGGCGTGCGCTCTTGAGGTTGTAATGGCCACATATAGCAGTAA[G>A]TTAAATTTTCATAAATAAACACTTTTGTTCAATTTAAAGTTAAAATGTGGTGTGTTTCTT-3'

ClinVar aggregate classification (germline): Pathogenic (1 of 4 stars; one submission).

Conditions:
Retinoblastoma (RB1). Also called: RETINOBLASTOMA, SOMATIC. Identifiers: Orphanet 790, MedGen C0035335, MeSH D012175, MONDO:0008380, OMIM 180200, HP:0009919. Disease mechanism: loss of function. Inheritance: Both sporadic and heritable forms are tested..

Submission:

Labcorp Genetics (formerly Invitae), Labcorp
Classification: Pathogenic for Retinoblastoma. Last evaluated: 2021-01-11. Review status: criteria provided, single submitter. Criteria: Invitae Variant Classification Sherloc (09022015). Collection method: clinical testing. Allele origin: germline.
Comment: For these reasons, this variant has been classified as Pathogenic. Nucleotide substitutions within the consensus splice site are a relatively common cause of aberrant splicing (PMID: 17576681, 9536098). Studies have shown that this variant is associated with exon 16 skipping, which introduces a premature termination codon (PMID: 18449911). The resulting mRNA is expected to undergo nonsense-mediated decay. This variant has been observed in individual(s) with bilateral retinoblastoma (PMID: 8651278, Invitae). This variant is not present in population databases (ExAC no frequency). This sequence change falls in intron 16 of the RB1 gene. It does not directly change the encoded amino acid sequence of the RB1 protein. RNA analysis indicates that this variant induces altered splicing and may result in an absent or disrupted protein product.

Literature cited by the submitters: PubMed 17576681; PubMed 9536098; PubMed 18449911; PubMed 8651278.